The following is an entry in ClinVar:

NM_000216.4(ANOS1):c.1632_1635del (p.Ser545fs)

Gene: ANOS1 (anosmin 1; minus strand). Cytogenetic location: Xp22.31.
Variant type: Microsatellite.
Coding change: c.1632_1635del on transcript NM_000216.4 (MANE Select); coding-DNA positions 1632 to 1635, 4 bases deleted (TTCT; older notation c.1632_1635delTTCT).
Protein change: p.Ser545fs; shifts the reading frame from serine 545.
Molecular consequence: frameshift variant.
Genome position (GRCh38, 1-based): chrX:8,535,798-8,535,801, AGAA deleted on the plus strand (TTCT on the coding strand, the reverse complement: ANOS1 is on the minus strand); deleting any 4 consecutive bases within chrX:8,535,798-8,535,805 gives the same sequence; the c. name uses the placement nearest the transcript's 3' end. VCF-style (leftmost placement, unchanged base first): chrX-8535797-TAGAA-T. GRCh37 (hg19) VCF-style: chrX-8503838-TAGAA-T.
Other names: short protein forms S545fs.
Identifiers: ClinVar variation 3340708 (VCV003340708.1).
Genomic context (GRCh38, chrX:8,535,797, plus strand): 5'-TGATGTTCACATCCTGGACGATGAATGAAGCAGAAAGGTTCTCAGGCTTAGCTAGCACCT[TAGAA>T]AGAACATGACCTGCAGCAATGCAAGAAGGAAAACCAGGATTAGGCGACTGGAGAAGGTGT-3'

ClinVar aggregate classification (germline): Pathogenic (1 of 4 stars; one submission).

Submission:

GeneDx
Classification: Pathogenic. Last evaluated: 2023-07-24. Review status: criteria provided, single submitter. Criteria: GeneDx Variant Classification Process June 2021. Collection method: clinical testing. Allele origin: germline. Affected: yes.
Comment: Frameshift variant predicted to result in protein truncation or nonsense mediated decay in a gene for which loss of function is a known mechanism of disease; Not observed at significant frequency in large population cohorts (gnomAD); This variant is associated with the following publications: (PMID: 31200363)